The following is an entry in ClinVar:

NM_000088.4(COL1A1):c.3452del (p.Gly1151fs)

Gene: COL1A1 (collagen type I alpha 1 chain; minus strand). Cytogenetic location: 17q21.33.
Variant type: Deletion.
Coding change: c.3452del on transcript NM_000088.4 (MANE Select); coding-DNA position 3452, one base deleted (G; older notation c.3452delG).
Protein change: p.Gly1151fs; shifts the reading frame from glycine 1151.
Molecular consequence: frameshift variant.
Genome position (GRCh38, 1-based): chr17:50,187,094, C deleted on the plus strand (G on the coding strand, the reverse complement: COL1A1 is on the minus strand); the first of 2 consecutive C bases (chr17:50,187,094-50,187,095); deleting either gives the same sequence. VCF-style (leftmost placement, unchanged base first): chr17-50187093-GC-G. GRCh37 (hg19) VCF-style: chr17-48264454-GC-G.
Other names: short protein forms G1151fs.
Identifiers: ClinVar variation 2096685 (VCV002096685.4), dbSNP rs2509167080, ClinGen allele CA2580094194.
Genomic context (GRCh38, chr17:50,187,093, plus strand): 5'-AGTGCGACCGCGAGGACCAGGGGGCCCAATGGGGCCAGGGAGACCGTTGAGTCCATCTTT[GC>G]CAGGAGCACCAGCAGAGCCAGGGGGACCCTGGAGTGGGGGAAATGGTTTGAGAAAGGCTG-3'

ClinVar aggregate classification (germline): Pathogenic (1 of 4 stars; one submission).

Conditions:
Osteogenesis imperfecta type I (OI1). Also called: Lobstein disease; Lobstein's Disease; Osteogenesis imperfecta type 1; Classic Non-deforming Osteogenesis Imperfecta with Blue Sclerae; OI, TYPE I; OSTEOGENESIS IMPERFECTA TARDA. Identifiers: Orphanet 216796, Orphanet 666, MedGen C0023931, MONDO:0008146, OMIM 166200. Disease mechanism: loss of function.

Submission:

Labcorp Genetics (formerly Invitae), Labcorp
Classification: Pathogenic for Osteogenesis imperfecta type I. Last evaluated: 2024-02-24. Review status: criteria provided, single submitter. Criteria: Invitae Variant Classification Sherloc (09022015). Collection method: clinical testing. Allele origin: germline.
Comment: This sequence change creates a premature translational stop signal (p.Gly1151Alafs*88) in the COL1A1 gene. It is expected to result in an absent or disrupted protein product. Loss-of-function variants in COL1A1 are known to be pathogenic (PMID: 7942841, 9295084, 9443882). This variant is not present in population databases (gnomAD no frequency). This variant has not been reported in the literature in individuals affected with COL1A1-related conditions. ClinVar contains an entry for this variant (Variation ID: 2096685). For these reasons, this variant has been classified as Pathogenic.

Literature cited by the submitters: PubMed 7942841; PubMed 9295084; PubMed 9443882.